The following is an entry in ClinVar:

NM_001079866.2(BCS1L):c.295C>T (p.Pro99Ser)

Gene: BCS1L (BCS1 ubiquinol-cytochrome c reductase complex chaperone; plus strand). Cytogenetic location: 2q35.
Variant type: single nucleotide variant.
Coding change: c.295C>T on transcript NM_001079866.2 (MANE Select); coding-DNA position 295, C replaced by T.
Protein change: p.Pro99Ser; replaces proline 99 with serine.
Molecular consequence: missense variant. On other transcripts: 5 prime UTR variant (5), non-coding transcript variant (1), intron variant (3).
Genome position (GRCh38, 1-based): chr2:218,661,282, C>T. VCF-style: chr2-218661282-C-T. GRCh37 (hg19) VCF-style: chr2-219526005-C-T.
Other names: c.295C>T, p.Pro99Ser (NM_001257342.2, NM_001257343.2, NM_001257344.2 and 10 more transcripts); c.-182C>T (NM_001371453.1, NM_001371454.1, NM_001371455.1 and 2 more transcripts); c.-40-124C>T (NM_001371451.1, NM_001318836.2); c.-41-477C>T (NM_001371452.1); short protein forms P99S.
Identifiers: ClinVar variation 1952511 (VCV001952511.7), dbSNP rs2469868875, ClinGen allele CA350626055.

ClinVar aggregate classification (germline): Conflicting classifications of pathogenicity. Review status: criteria provided, conflicting classifications (1 of 4 stars). 2 submissions from 2 submitters: Likely pathogenic (1); Uncertain significance (1). Last evaluated 2025-07-23.

Allele frequency attached by ClinVar (database versions not stated): gnomAD exomes below 0.00001.
gnomAD v4.1: 1 of 1,614,192 alleles (0.000062%); highest among the groups gnomAD compares: Non-Finnish European, 0.000085%; no homozygotes.

Submissions (2):

Women's Health and Genetics/Laboratory Corporation of America, LabCorp
Classification: Uncertain significance. Last evaluated: 2025-07-23. Review status: criteria provided, single submitter. Criteria: LabCorp Variant Classification Summary - May 2015. Collection method: clinical testing. Allele origin: germline.
Comment: Variant summary: BCS1L c.295C>T (p.Pro99Ser) results in a non-conservative amino acid change in the encoded protein sequence. Algorithms developed to predict the effect of missense changes on protein structure and function all suggest that this variant is likely to be disruptive. The variant was absent in 251100 control chromosomes. The available data on variant occurrences in the general population are insufficient to allow any conclusion about variant significance. To our knowledge, no occurrence of c.295C>T in individuals affected with GRACILE Syndrome and no experimental evidence demonstrating its impact on protein function have been reported. ClinVar contains an entry for this variant (Variation ID: 1952511). Based on the evidence outlined above, the variant was classified as uncertain significance.

Labcorp Genetics (formerly Invitae), Labcorp
Classification: Likely pathogenic. Last evaluated: 2022-08-22. Review status: criteria provided, single submitter. Criteria: Invitae Variant Classification Sherloc (09022015). Collection method: clinical testing. Allele origin: germline.
Comment: In summary, the currently available evidence indicates that the variant is pathogenic, but additional data are needed to prove that conclusively. Therefore, this variant has been classified as Likely Pathogenic. This variant disrupts the p.Pro99 amino acid residue in BCS1L. Other variant(s) that disrupt this residue have been determined to be pathogenic (PMID: 11528392, 17314340, 20518024, 24655110, 29090881). This suggests that this residue is clinically significant, and that variants that disrupt this residue are likely to be disease-causing. Advanced modeling of protein sequence and biophysical properties (such as structural, functional, and spatial information, amino acid conservation, physicochemical variation, residue mobility, and thermodynamic stability) performed at Invitae indicates that this missense variant is expected to disrupt BCS1L protein function. This variant has not been reported in the literature in individuals affected with BCS1L-related conditions. This variant is not present in population databases (gnomAD no frequency). This sequence change replaces proline, which is neutral and non-polar, with serine, which is neutral and polar, at codon 99 of the BCS1L protein (p.Pro99Ser).

Literature cited by the submitters: PubMed 11528392 (cited by Labcorp Genetics (formerly Invitae), Labcorp); PubMed 17314340 (cited by Labcorp Genetics (formerly Invitae), Labcorp); PubMed 20518024 (cited by Labcorp Genetics (formerly Invitae), Labcorp); PubMed 24655110 (cited by Labcorp Genetics (formerly Invitae), Labcorp); PubMed 29090881 (cited by Labcorp Genetics (formerly Invitae), Labcorp).